The following is an entry in ClinVar:

NM_022124.6(CDH23):c.3069C>T (p.Asp1023=)

Gene: CDH23 (cadherin related 23; plus strand). Cytogenetic location: 10q22.1.
Variant type: single nucleotide variant.
Coding change: c.3069C>T on transcript NM_022124.6 (MANE Select); coding-DNA position 3069, C replaced by T.
Protein change: p.Asp1023=; no amino-acid change (aspartic acid 1023 retained).
Molecular consequence: synonymous variant.
Genome position (GRCh38, 1-based): chr10:71,707,012, C>T. VCF-style: chr10-71707012-C-T. GRCh37 (hg19) VCF-style: chr10-73466769-C-T.
Other names: c.3069C>T, p.Asp1023= (NM_001171930.2, NM_001171931.2).
Identifiers: ClinVar variation 878664 (VCV000878664.13), dbSNP rs778344637, ClinGen allele CA5544439.

ClinVar aggregate classification (germline): Conflicting classifications of pathogenicity. Review status: criteria provided, conflicting classifications (1 of 4 stars). 4 submissions from 3 submitters: Uncertain significance (2); Likely benign (2). Last evaluated 2026-01-30.

Conditions:
Usher syndrome type 1D (USH1D). Also called: USHER SYNDROME, TYPE ID. Identifiers: Orphanet 231169, Orphanet 886, MedGen C1832845, MONDO:0010984, OMIM 601067.
CDH23-related disorder. Also called: CDH23-related disorders; CDH23-related condition.
Autosomal recessive nonsyndromic hearing loss 12. Also called: DEAFNESS, AUTOSOMAL RECESSIVE 12. Identifiers: Orphanet 90636, MedGen C1832394, MONDO:0011067, OMIM 601386.

Allele frequency attached by ClinVar (database versions not stated): gnomAD 0.00001; gnomAD exomes 0.00001 and 0.00004; TOPMed 0.00002; ExAC 0.00008.
gnomAD v4.1: 22 of 1,607,580 alleles (0.0014%); highest among the groups gnomAD compares: South Asian, 0.013%; no homozygotes.

Submissions (4):

PreventionGenetics, part of Exact Sciences
Classification: Likely benign for CDH23-related condition. Last evaluated: 2026-01-30. Review status: criteria provided, single submitter. Criteria: ACMG Guidelines, 2015. Collection method: clinical testing. Allele origin: germline.
Comment: This variant is classified as likely benign based on ACMG/AMP sequence variant interpretation guidelines (Richards et al. 2015 PMID: 25741868, with internal and published modifications).

Labcorp Genetics (formerly Invitae), Labcorp
Classification: Likely benign. Last evaluated: 2026-01-28. Review status: criteria provided, single submitter. Criteria: Invitae Variant Classification Sherloc (09022015). Collection method: clinical testing. Allele origin: germline.

Illumina Laboratory Services, Illumina
Classification: Uncertain significance for Autosomal recessive nonsyndromic hearing loss 12. Last evaluated: 2018-01-13. Review status: criteria provided, single submitter. Criteria: ICSL Variant Classification Criteria 13 December 2019. Collection method: clinical testing. Allele origin: germline.

Illumina Laboratory Services, Illumina
Classification: Uncertain significance for Usher syndrome type 1D. Last evaluated: 2018-01-13. Review status: criteria provided, single submitter. Criteria: ICSL Variant Classification Criteria 13 December 2019. Collection method: clinical testing. Allele origin: germline.